The following is an entry in ClinVar:

NM_000264.5(PTCH1):c.4025G>A (p.Arg1342His)

Gene: PTCH1 (patched 1; minus strand). Cytogenetic location: 9q22.32.
Variant type: single nucleotide variant.
Coding change: c.4025G>A on transcript NM_000264.5 (MANE Select); coding-DNA position 4025, G replaced by A.
Protein change: p.Arg1342His; replaces arginine 1342 with histidine.
Molecular consequence: missense variant. On other transcripts: non-coding transcript variant (1).
Genome position (GRCh38, 1-based): chr9:95,447,231, C>T on the plus strand (G>A on the coding strand, the complement: PTCH1 is on the minus strand). VCF-style: chr9-95447231-C-T. GRCh37 (hg19) VCF-style: chr9-98209513-C-T.
Other names: c.3827G>A, p.Arg1276His (NM_001083602.3); c.4022G>A, p.Arg1341His (NM_001083603.3); c.3572G>A, p.Arg1191His (NM_001083604.3, NM_001083605.3, NM_001083606.3 and 1 more transcripts); c.3869G>A, p.Arg1290His (NM_001354918.2); short protein forms R1276H, R1342H, R1191H, R1290H, R1341H.
Identifiers: ClinVar variation 237493 (VCV000237493.20), dbSNP rs575146278, ClinGen allele CA5137978.

ClinVar aggregate classification (germline): Benign/Likely benign. Review status: criteria provided, multiple submitters, no conflicts (2 of 4 stars). 5 submissions from 5 submitters: Benign (2); Likely benign (3). Last evaluated 2025-12-29.

Conditions:
Hereditary cancer-predisposing syndrome. Also called: Neoplastic Syndromes, Hereditary; Hereditary neoplastic syndrome; Hereditary Cancer Syndrome; Tumor predisposition. Identifiers: Orphanet 140162, MedGen C0027672, MeSH D009386, MONDO:0015356.
Ovarian cancer. Also called: OVARIAN CANCER, SOMATIC. Identifiers: Orphanet 213500, MedGen C1140680, MONDO:0008170, OMIM 167000.
Gorlin syndrome. Also called: Nevoid Basal Cell Carcinoma Syndrome; Basal cell nevus syndrome. Identifiers: Orphanet 377, MedGen C0004779, MONDO:0007187.
PTCH1-related disorder. Also called: PTCH1-related disorders; PTCH1-related condition.

Allele frequency attached by ClinVar (database versions not stated): gnomAD exomes 0.00003 and 0.00011; gnomAD 0.00006; TOPMed 0.00008; ExAC 0.00009; 1000 Genomes Project 30x 0.00016; 1000 Genomes Project 0.00020.
gnomAD v4.1: 53 of 1,611,542 alleles (0.0033%); highest among the groups gnomAD compares: East Asian, 0.06%; no homozygotes.

Submissions (5):

Labcorp Genetics (formerly Invitae), Labcorp
Classification: Likely benign for Gorlin syndrome. Last evaluated: 2025-12-29. Review status: criteria provided, single submitter. Criteria: Invitae Variant Classification Sherloc (09022015). Collection method: clinical testing. Allele origin: germline.

PreventionGenetics, part of Exact Sciences
Classification: Likely benign for PTCH1-related condition. Last evaluated: 2025-08-18. Review status: criteria provided, single submitter. Criteria: ACMG Guidelines, 2015. Collection method: clinical testing. Allele origin: germline.
Comment: This variant is classified as likely benign based on ACMG/AMP sequence variant interpretation guidelines (Richards et al. 2015 PMID: 25741868, with internal and published modifications).

Ambry Genetics
Classification: Benign for Hereditary cancer-predisposing syndrome. Last evaluated: 2023-05-09. Review status: criteria provided, single submitter. Criteria: Ambry Variant Classification Scheme 2023. Collection method: clinical testing. Allele origin: germline.

Sema4
Classification: Likely benign for Hereditary cancer-predisposing syndrome. Last evaluated: 2022-02-10. Review status: criteria provided, single submitter. Criteria: Sema4 Curation Guidelines. Collection method: curation. Allele origin: germline.

Laboratory of Molecular Epidemiology of Birth Defects, West China Second University Hospital, Sichuan University
Classification: Benign for Ovarian cancer. Last evaluated: 2022-01-01. Review status: criteria provided, single submitter. Criteria: ACMG Guidelines, 2015. Collection method: clinical testing. Allele origin: germline. Affected: yes.

Literature cited by the submitters: PubMed 30093976 (cited by Ambry Genetics).